The following is an entry in ClinVar:

NM_032638.5(GATA2):c.524C>G (p.Pro175Arg)

Gene: GATA2 (GATA binding protein 2; minus strand). Cytogenetic location: 3q21.3.
Variant type: single nucleotide variant.
Coding change: c.524C>G on transcript NM_032638.5 (MANE Select); coding-DNA position 524, C replaced by G.
Protein change: p.Pro175Arg; replaces proline 175 with arginine.
Molecular consequence: missense variant.
Genome position (GRCh38, 1-based): chr3:128,486,074, G>C on the plus strand (C>G on the coding strand, the complement: GATA2 is on the minus strand). VCF-style: chr3-128486074-G-C. GRCh37 (hg19) VCF-style: chr3-128204917-G-C.
Other names: c.524C>G, p.Pro175Arg (NM_001145661.2, NM_001145662.1); short protein forms P175R.
Identifiers: ClinVar variation 800687 (VCV000800687.3), dbSNP rs755939655, ClinGen allele CA354406586.

ClinVar aggregate classification (germline): Uncertain significance. Review status: criteria provided, multiple submitters, no conflicts (2 of 4 stars). 2 submissions from 2 submitters: Uncertain significance (2). Last evaluated 2025-06-27.

Conditions:
Monocytopenia with susceptibility to infections. Also called: MONOCYTOPENIA WITH SUSCEPTIBILITY TO MYCOBACTERIAL, FUNGAL, AND PAPILLOMAVIRUS INFECTIONS AND MYELODYSPLASIA; COMBINED IMMUNODEFICIENCY WITH SUSCEPTIBILITY TO MYCOBACTERIAL, VIRAL, AND FUNGAL INFECTIONS; MONOCYTOPENIA AND MYCOBACTERIAL INFECTION SYNDROME; Dendritic cell, monocyte, B lymphocyte, and natural killer lymphocyte deficiency; IMMUNODEFICIENCY 21; GATA2 DEFICIENCY. Identifiers: Orphanet 228423, MedGen C3280030, MONDO:0013607, OMIM 614172.
Deafness-lymphedema-leukemia syndrome. Also called: Lymphedema, primary, with myelodysplasia; Emberger syndrome. Identifiers: Orphanet 3226, MedGen C3279664, MONDO:0013540, OMIM 614038.

Submissions (2):

Labcorp Genetics (formerly Invitae), Labcorp
Classification: Uncertain significance for Monocytopenia with susceptibility to infections; Deafness-lymphedema-leukemia syndrome. Last evaluated: 2025-06-27. Review status: criteria provided, single submitter. Criteria: Invitae Variant Classification Sherloc (09022015). Collection method: clinical testing. Allele origin: germline.
Comment: This sequence change replaces proline, which is neutral and non-polar, with arginine, which is basic and polar, at codon 175 of the GATA2 protein (p.Pro175Arg). This variant is not present in population databases (gnomAD no frequency). This variant has not been reported in the literature in individuals affected with GATA2-related conditions. ClinVar contains an entry for this variant (Variation ID: 800687). Invitae Evidence Modeling of protein sequence and biophysical properties (such as structural, functional, and spatial information, amino acid conservation, physicochemical variation, residue mobility, and thermodynamic stability) has been performed for this missense variant. However, the output from this modeling did not meet the statistical confidence thresholds required to predict the impact of this variant on GATA2 protein function. In summary, the available evidence is currently insufficient to determine the role of this variant in disease. Therefore, it has been classified as a Variant of Uncertain Significance.

PreventionGenetics, part of Exact Sciences
Classification: Uncertain significance. Last evaluated: 2016-07-14. Review status: criteria provided, single submitter. Criteria: ACMG Guidelines, 2015. Collection method: clinical testing. Allele origin: germline.